The following is an entry in ClinVar:

NM_000069.3(CACNA1S):c.530C>T (p.Ser177Leu)

Gene: CACNA1S (calcium voltage-gated channel subunit alpha1 S; minus strand). Cytogenetic location: 1q32.1.
Variant type: single nucleotide variant.
Coding change: c.530C>T on transcript NM_000069.3 (MANE Select); coding-DNA position 530, C replaced by T.
Protein change: p.Ser177Leu; replaces serine 177 with leucine.
Molecular consequence: missense variant.
Genome position (GRCh38, 1-based): chr1:201,091,983, G>A on the plus strand (C>T on the coding strand, the complement: CACNA1S is on the minus strand). VCF-style: chr1-201091983-G-A. GRCh37 (hg19) VCF-style: chr1-201061111-G-A.
Other names: short protein forms S177L.
Identifiers: ClinVar variation 199686 (VCV000199686.72), dbSNP rs141204958, ClinGen allele CA004075.

ClinVar aggregate classification (germline): Conflicting classifications of pathogenicity. Review status: criteria provided, conflicting classifications (1 of 4 stars). 15 submissions from 15 submitters: Uncertain significance (9); Benign (1); Likely benign (5). Last evaluated 2026-01-25.

Conditions:
Hypokalemic periodic paralysis, type 1. Also called: HypoPP; Hypokalemic Periodic Paralysis Type 1 (AD). Identifiers: Orphanet 681, MedGen C3714580, MONDO:0042979, OMIM 170400.
Thyrotoxic periodic paralysis, susceptibility to, 1 (TTPP1). Identifiers: Orphanet 79102, MedGen C2749982, MONDO:0008570, OMIM 188580.
CACNA1S-related disorder. Also called: CACNA1S-related condition.
Malignant hyperthermia, susceptibility to, 5 (MHS5). Also called: CACNA1S-Related Malignant Hyperthermia Susceptibility. Identifiers: Orphanet 423, MedGen C1866077, MONDO:0011163, OMIM 601887.
Congenital myopathy 18. Also called: Myopathy, congenital, due to dihydropyridine receptor defect; DIHYDROPYRIDINE RECEPTOR CONGENITAL MYOPATHY; DHPR CONGENITAL MYOPATHY. Identifiers: MedGen C5830283, MONDO:0859514, OMIM 620246.
Malignant hyperthermia of anesthesia. Also called: Anesthesic-triggered malignant hyperthermia. Identifiers: Orphanet 423, MedGen C0024591, MONDO:0018493, HP:0034733.
Long QT syndrome (LQTS). Identifiers: MedGen C0023976, MeSH D008133, MONDO:0002442. Disease mechanism: loss of function. Inheritance: Various modes of inheritance.

Allele frequency attached by ClinVar (database versions not stated): gnomAD 0.00029; 1000 Genomes Project 30x 0.00031; TOPMed 0.00031; 1000 Genomes Project 0.00040; ExAC 0.00045; gnomAD exomes 0.00045; ESP Exome Variant Server 0.00054.
gnomAD v4.1: 691 of 1,614,112 alleles (0.043%); highest among the groups gnomAD compares: Middle Eastern, 0.099%; 1 homozygote.

Submissions (15):

Labcorp Genetics (formerly Invitae), Labcorp
Classification: Likely benign for Hypokalemic periodic paralysis, type 1; Malignant hyperthermia, susceptibility to, 5. Last evaluated: 2026-01-25. Review status: criteria provided, single submitter. Criteria: Invitae Variant Classification Sherloc (09022015). Collection method: clinical testing. Allele origin: germline.

PreventionGenetics, part of Exact Sciences
Classification: Likely benign for CACNA1S-related condition. Last evaluated: 2025-07-28. Review status: criteria provided, single submitter. Criteria: ACMG Guidelines, 2015. Collection method: clinical testing. Allele origin: germline.
Comment: This variant is classified as likely benign based on ACMG/AMP sequence variant interpretation guidelines (Richards et al. 2015 PMID: 25741868, with internal and published modifications).

Revvity Omics, Revvity
Classification: Uncertain significance. Last evaluated: 2025-04-21. Review status: criteria provided, single submitter. Criteria: ACMG Guidelines, 2015. Collection method: clinical testing. Allele origin: germline.

CeGaT Center for Human Genetics Tuebingen
Classification: Uncertain significance. Last evaluated: 2025-01-01. Review status: criteria provided, single submitter. Criteria: CeGaT Center For Human Genetics Tuebingen Variant Classification Criteria Version 2. Collection method: clinical testing. Allele origin: germline. Affected: yes. Observed: 5 variant alleles.
Comment: CACNA1S: PP3

Blueprint Genetics
Classification: Likely benign. Last evaluated: 2024-10-31. Review status: criteria provided, single submitter. Criteria: ACMG Guidelines, 2015. Collection method: clinical testing. Allele origin: germline.

ARUP Laboratories, Molecular Genetics and Genomics, ARUP Laboratories
Classification: Uncertain significance. Last evaluated: 2024-09-20. Review status: criteria provided, single submitter. Criteria: ARUP Molecular Germline Variant Investigation Process 2024. Collection method: clinical testing. Allele origin: germline.
Comment: The CACNA1S c.530C>T; p.Ser177Leu variant (rs141204958), to our knowledge, is not reported in the medical literature but is reported in ClinVar (Variation ID: 199686). This variant is found in the non-Finnish European population with an allele frequency of 0.08% (98/128994 alleles) in the Genome Aggregation Database (v.2.1.1.). Computational analyses predict that this variant is deleterious (REVEL: 0.897). While the high population frequency suggests that this is likely a benign variant, given the lack of clinical and functional data, the significance of the p.Ser177Leu variant is uncertain at this time.

Fulgent Genetics
Classification: Likely benign for Hypokalemic periodic paralysis, type 1; Thyrotoxic periodic paralysis, susceptibility to, 1; Malignant hyperthermia, susceptibility to, 5; Congenital myopathy 18. Last evaluated: 2024-03-01. Review status: criteria provided, single submitter. Criteria: ACMG Guidelines, 2015. Collection method: clinical testing. Allele origin: germline.

Color Diagnostics, LLC DBA Color Health
Classification: Likely benign for Malignant hyperthermia, susceptibility to, 5. Last evaluated: 2024-02-14. Review status: criteria provided, single submitter. Criteria: ACMG Guidelines, 2015. Collection method: clinical testing. Allele origin: germline.

Dept of Medical Biology, Uskudar University
Classification: Uncertain significance for Long QT syndrome. Last evaluated: 2024-01-08. Review status: criteria provided, single submitter. Criteria: Dept of Medical Biology Variant Classification. Collection method: research. Allele origin: paternal. Affected: yes. Observed: 1 variant allele.
Comment: Criteria: BS1, PP3

Department of Pathology and Laboratory Medicine, Sinai Health System
Classification: Uncertain significance for Hypokalemic periodic paralysis, type 1; Thyrotoxic periodic paralysis, susceptibility to, 1. Last evaluated: 2022-07-21. Review status: criteria provided, single submitter. Criteria: ACMG Guidelines, 2015. Collection method: research. Allele origin: germline.

Institute of Human Genetics, University of Leipzig Medical Center
Classification: Uncertain significance for Hypokalemic periodic paralysis, type 1. Last evaluated: 2019-01-01. Review status: criteria provided, single submitter. Criteria: ACMG Guidelines, 2015. Collection method: clinical testing. Allele origin: unknown. Affected: yes.

Equipe Genetique des Anomalies du Developpement, Université de Bourgogne
Classification: Uncertain significance for Hypokalemic periodic paralysis, type 1. Last evaluated: 2018-11-21. Review status: criteria provided, single submitter. Criteria: ACMG Guidelines, 2015. Collection method: clinical testing. Allele origin: unknown.

Illumina Laboratory Services, Illumina
Classification: Benign for Hypokalemic periodic paralysis, type 1. Last evaluated: 2018-01-12. Review status: criteria provided, single submitter. Criteria: ICSL Variant Classification Criteria 13 December 2019. Collection method: clinical testing. Allele origin: germline.
Comment: This variant was observed in the ICSL laboratory as part of a predisposition screen in an ostensibly healthy population. It had not been previously curated by ICSL or reported in the Human Gene Mutation Database (HGMD: prior to June 1st, 2018), and was therefore a candidate for classification through an automated scoring system. Utilizing variant allele frequency, disease prevalence and penetrance estimates, and inheritance mode, an automated score was calculated to assess if this variant is too frequent to cause the disease. Based on the score and internal cut-off values, a variant classified as benign is not then subjected to further curation. The score for this variant resulted in a classification of benign for this disease.

Laboratory for Molecular Medicine, Mass General Brigham Personalized Medicine
Classification: Uncertain significance. Last evaluated: 2016-10-13. Review status: criteria provided, single submitter. Criteria: LMM Criteria. Collection method: clinical testing. Allele origin: germline.
Comment: Variant identified in a genome or exome case(s) and assessed due to predicted null impact of the variant or pathogenic assertions in the literature or databases. Disclaimer: This variant has not undergone full assessment. The following are preliminary notes: Variant has not been seen in affected patients before. MaxMAF is 0.07% (49 alleles - frequency too high for disorder). Variant is conserved in mammals.

CSER _CC_NCGL, University of Washington
Classification: Uncertain significance for Malignant hyperthermia susceptibility. Last evaluated: 2015-12-01. Review status: criteria provided, single submitter. Criteria: Amendola et al. (Genome Res. 2015). Collection method: research. Allele origin: germline. Inheritance: Autosomal dominant inheritance. Study: CSER - NEXT Medicine variant annotation.
Comment: No known history of Malignant Hyperthermia. .GERP=4.480.ExAC Alt Allele Frequencies=AFR:0.0%,NFE:0.0739%,EAS:0.0%,SAS:0.0%,FIN:0.0308%,AMR:0.0%,OTH:0.333%.